The following is an entry in ClinVar:

ClinVar aggregate classification (germline): Uncertain significance. Review status: criteria provided, multiple submitters, no conflicts (2 of 4 stars). 3 submissions from 3 submitters: Uncertain significance (3). Last evaluated 2025-06-08.

Allele frequency attached by ClinVar (database versions not stated): gnomAD 0.00006 and 0.00007; ExAC 0.00007; ESP Exome Variant Server 0.00008; TOPMed 0.00009.

Submissions (3):

Ambry Genetics
Classification: Uncertain significance. Last evaluated: 2025-06-08. Review status: criteria provided, single submitter. Criteria: Ambry Variant Classification Scheme 2023. Collection method: clinical testing. Allele origin: germline.

Labcorp Genetics (formerly Invitae), Labcorp
Classification: Uncertain significance. Last evaluated: 2024-12-02. Review status: criteria provided, single submitter. Criteria: Invitae Variant Classification Sherloc (09022015). Collection method: clinical testing. Allele origin: germline.
Comment: This sequence change replaces arginine, which is basic and polar, with leucine, which is neutral and non-polar, at codon 297 of the DHX38 protein (p.Arg297Leu). This variant is present in population databases (rs368516031, gnomAD 0.02%). This variant has not been reported in the literature in individuals affected with DHX38-related conditions. ClinVar contains an entry for this variant (Variation ID: 845995). Invitae Evidence Modeling of protein sequence and biophysical properties (such as structural, functional, and spatial information, amino acid conservation, physicochemical variation, residue mobility, and thermodynamic stability) indicates that this missense variant is not expected to disrupt DHX38 protein function with a negative predictive value of 80%. In summary, the available evidence is currently insufficient to determine the role of this variant in disease. Therefore, it has been classified as a Variant of Uncertain Significance.

Blueprint Genetics
Classification: Uncertain significance. Last evaluated: 2024-09-25. Review status: criteria provided, single submitter. Criteria: ACMG Guidelines, 2015. Collection method: clinical testing. Allele origin: germline.

NM_014003.4(DHX38):c.890G>T (p.Arg297Leu)

Gene: DHX38 (DEAH-box helicase 38; plus strand). Cytogenetic location: 16q22.2.
Variant type: single nucleotide variant.
Coding change: c.890G>T on transcript NM_014003.4 (MANE Select); coding-DNA position 890, G replaced by T.
Protein change: p.Arg297Leu; replaces arginine 297 with leucine.
Molecular consequence: missense variant.
Genome position (GRCh38, 1-based): chr16:72,099,210, G>T. VCF-style: chr16-72099210-G-T. GRCh37 (hg19) VCF-style: chr16-72133109-G-T.
Other names: short protein forms R297L.
Identifiers: ClinVar variation 845995 (VCV000845995.10), dbSNP rs368516031, ClinGen allele CA8160126.